The following is an entry in ClinVar:

ClinVar aggregate classification (germline): Uncertain significance. Review status: criteria provided, multiple submitters, no conflicts (2 of 4 stars). 3 submissions from 3 submitters: Uncertain significance (3). Last evaluated 2026-01-29.

Conditions:
USH2A-related disorder. Also called: USH2A-related condition; USH2A-related disorders. Identifiers: MedGen CN239332.

Allele frequency attached by ClinVar (database versions not stated): ExAC 0.00002; TOPMed 0.00002; gnomAD 0.00003.
gnomAD v4.1: 17 of 1,613,510 alleles (0.0011%); highest among the groups gnomAD compares: East Asian, 0.0067%; no homozygotes.

Submissions (3):

PreventionGenetics, part of Exact Sciences
Classification: Uncertain significance for USH2A-related condition. Last evaluated: 2026-01-29. Review status: criteria provided, single submitter. Criteria: ACMG Guidelines, 2015. Collection method: clinical testing. Allele origin: germline.
Comment: The USH2A c.7585G>A variant is predicted to result in the amino acid substitution p.Ala2529Thr. To our knowledge, this variant has not been reported in the literature. This variant is present in 0.0050% of alleles in individuals of East Asian descent in gnomAD. At this time, the clinical significance of this variant is uncertain due to the absence of conclusive functional and genetic evidence.

GeneDx
Classification: Uncertain significance. Last evaluated: 2025-06-30. Review status: criteria provided, single submitter. Criteria: GeneDx Variant Classification Process June 2021. Collection method: clinical testing. Allele origin: germline. Affected: yes.
Comment: Not observed at significant frequency in large population cohorts (gnomAD); In silico analysis suggests that this missense variant does not alter protein structure/function; Has not been previously published as pathogenic or benign to our knowledge

Labcorp Genetics (formerly Invitae), Labcorp
Classification: Uncertain significance. Last evaluated: 2022-08-21. Review status: criteria provided, single submitter. Criteria: Invitae Variant Classification Sherloc (09022015). Collection method: clinical testing. Allele origin: germline.
Comment: This sequence change replaces alanine, which is neutral and non-polar, with threonine, which is neutral and polar, at codon 2529 of the USH2A protein (p.Ala2529Thr). This variant is present in population databases (rs759061100, gnomAD 0.005%). This variant has not been reported in the literature in individuals affected with USH2A-related conditions. Algorithms developed to predict the effect of missense changes on protein structure and function output the following: SIFT: "Tolerated"; PolyPhen-2: "Benign"; Align-GVGD: "Class C0". The threonine amino acid residue is found in multiple mammalian species, which suggests that this missense change does not adversely affect protein function. In summary, the available evidence is currently insufficient to determine the role of this variant in disease. Therefore, it has been classified as a Variant of Uncertain Significance.

NM_206933.4(USH2A):c.7585G>A (p.Ala2529Thr)

Gene: USH2A (usherin; minus strand). Cytogenetic location: 1q41.
Variant type: single nucleotide variant.
Coding change: c.7585G>A on transcript NM_206933.4 (MANE Select); coding-DNA position 7585, G replaced by A.
Protein change: p.Ala2529Thr; replaces alanine 2529 with threonine.
Molecular consequence: missense variant.
Genome position (GRCh38, 1-based): chr1:215,900,084, C>T on the plus strand (G>A on the coding strand, the complement: USH2A is on the minus strand). VCF-style: chr1-215900084-C-T. GRCh37 (hg19) VCF-style: chr1-216073426-C-T.
Other names: c.7585G>A (NM_206933.2); short protein forms A2529T.
Identifiers: ClinVar variation 2142597 (VCV002142597.3), dbSNP rs759061100, ClinGen allele CA1394798.